The following is an entry in ClinVar:

NM_032043.3(BRIP1):c.3415C>T (p.Pro1139Ser)

Gene: BRIP1 (BRCA1 interacting DNA helicase 1; minus strand). Cytogenetic location: 17q23.2.
Variant type: single nucleotide variant.
Coding change: c.3415C>T on transcript NM_032043.3 (MANE Select); coding-DNA position 3415, C replaced by T.
Protein change: p.Pro1139Ser; replaces proline 1139 with serine.
Molecular consequence: missense variant.
Genome position (GRCh38, 1-based): chr17:61,683,631, G>A on the plus strand (C>T on the coding strand, the complement: BRIP1 is on the minus strand). VCF-style: chr17-61683631-G-A. GRCh37 (hg19) VCF-style: chr17-59760992-G-A.
Other names: short protein forms P1139S.
Identifiers: ClinVar variation 823747 (VCV000823747.14), dbSNP rs1186451404, ClinGen allele CA400478778.

ClinVar aggregate classification (germline): Uncertain significance. Review status: criteria provided, multiple submitters, no conflicts (2 of 4 stars). 2 submissions from 2 submitters: Uncertain significance (2). Last evaluated 2026-04-16.

Conditions:
Hereditary cancer-predisposing syndrome. Also called: Tumor predisposition; Neoplastic Syndromes, Hereditary; Hereditary neoplastic syndrome; Hereditary Cancer Syndrome. Identifiers: Orphanet 140162, MedGen C0027672, MeSH D009386, MONDO:0015356.
Familial cancer of breast. Also called: Hereditary breast cancer; BREAST CANCER, FAMILIAL; hereditary breast carcinoma. Identifiers: Orphanet 227535, MedGen C0346153, MONDO:0016419, OMIM 114480. Disease mechanism: loss of function.
Fanconi anemia complementation group J. Also called: BRIP1-Related Fanconi Anemia. Identifiers: Orphanet 84, MedGen C1836860, MONDO:0012187, OMIM 609054.

Submissions (2):

Ambry Genetics
Classification: Uncertain significance for Hereditary cancer-predisposing syndrome. Last evaluated: 2026-04-16. Review status: criteria provided, single submitter. Criteria: Ambry Variant Classification Scheme 2023. Collection method: clinical testing. Allele origin: germline.

Labcorp Genetics (formerly Invitae), Labcorp
Classification: Uncertain significance for Familial cancer of breast; Fanconi anemia complementation group J. Last evaluated: 2021-07-14. Review status: criteria provided, single submitter. Criteria: Invitae Variant Classification Sherloc (09022015). Collection method: clinical testing. Allele origin: germline.
Comment: This sequence change replaces proline with serine at codon 1139 of the BRIP1 protein (p.Pro1139Ser). The proline residue is weakly conserved and there is a moderate physicochemical difference between proline and serine. This variant is not present in population databases (ExAC no frequency). This variant has not been reported in the literature in individuals affected with BRIP1-related conditions. ClinVar contains an entry for this variant (Variation ID: 823747). Algorithms developed to predict the effect of missense changes on protein structure and function output the following: SIFT: "Tolerated"; PolyPhen-2: "Benign"; Align-GVGD: "Class C0". The serine amino acid residue is found in multiple mammalian species, which suggests that this missense change does not adversely affect protein function. In summary, the available evidence is currently insufficient to determine the role of this variant in disease. Therefore, it has been classified as a Variant of Uncertain Significance.